The following is an entry in ClinVar:

ClinVar aggregate classification (germline): Uncertain significance (1 of 4 stars; one submission).

gnomAD v4.1: 98 of 1,613,666 alleles (0.0061%); highest among the groups gnomAD compares: East Asian, 0.018%; no homozygotes.

Submission:

Ambry Genetics
Classification: Uncertain significance. Last evaluated: 2026-07-08. Review status: criteria provided, single submitter. Criteria: Ambry Variant Classification Scheme 2023. Collection method: clinical testing. Allele origin: germline.
Comment: The c.1949T>C (p.I650T) alteration is located in exon 14 (coding exon 14) of the CCDC66 gene. This alteration results from a T to C substitution at nucleotide position 1949, causing the isoleucine (I) at amino acid position 650 to be replaced by a threonine (T). Based on data from gnomAD, the C allele has an overall frequency of 0.004% (10/282014) total alleles studied. The highest observed frequency was 0.014% (1/7202) of Other alleles. Based on insufficient or conflicting evidence, the clinical significance of this alteration remains unclear.

NM_001141947.3(CCDC66):c.1949T>C (p.Ile650Thr)

Gene: CCDC66 (coiled-coil domain containing 66; plus strand). Cytogenetic location: 3p14.3.
Variant type: single nucleotide variant.
Coding change: c.1949T>C on transcript NM_001141947.3 (MANE Select); coding-DNA position 1949, T replaced by C.
Protein change: p.Ile650Thr; replaces isoleucine 650 with threonine.
Molecular consequence: missense variant. On other transcripts: non-coding transcript variant (14).
Genome position (GRCh38, 1-based): chr3:56,617,217, T>C. VCF-style: chr3-56617217-T-C. GRCh37 (hg19) VCF-style: chr3-56651245-T-C.
Other names: c.1847T>C, p.Ile616Thr (NM_001353153.1, NM_001012506.5, NM_001353152.1); c.1820T>C, p.Ile607Thr (NM_001353154.1); c.1799T>C, p.Ile600Thr (NM_001353155.1); c.1052T>C, p.Ile351Thr (NM_001353156.1); c.923T>C, p.Ile308Thr (NM_001353158.1); c.857T>C, p.Ile286Thr (NM_001353160.1); c.1967T>C, p.Ile656Thr (NM_001353147.1); c.1931T>C, p.Ile644Thr (NM_001353148.1); and 3 more; short protein forms I286T, I600T, I607T, I616T, I644T, I308T, I617T, I627T.
Identifiers: ClinVar variation 3264258 (VCV003264258.2).